The following is an entry in ClinVar:

ClinVar aggregate classification (germline): Uncertain significance. Review status: criteria provided, multiple submitters, no conflicts (2 of 4 stars). 2 submissions from 2 submitters: Uncertain significance (2). Last evaluated 2024-09-27.

Allele frequency attached by ClinVar (database versions not stated): ExAC 0.00005; 1000 Genomes Project 0.00020; 1000 Genomes Project 30x 0.00031.
gnomAD v4.1: 34 of 1,582,992 alleles (0.0021%); highest among the groups gnomAD compares: Admixed American, 0.045%; no homozygotes.

Submissions (2):

Ambry Genetics
Classification: Uncertain significance. Last evaluated: 2024-09-27. Review status: criteria provided, single submitter. Criteria: Ambry Variant Classification Scheme 2023. Collection method: clinical testing. Allele origin: germline.

Labcorp Genetics (formerly Invitae), Labcorp
Classification: Uncertain significance. Last evaluated: 2024-07-23. Review status: criteria provided, single submitter. Criteria: Invitae Variant Classification Sherloc (09022015). Collection method: clinical testing. Allele origin: germline.
Comment: This sequence change replaces arginine, which is basic and polar, with glutamine, which is neutral and polar, at codon 1641 of the MYH7B protein (p.Arg1641Gln). This variant is present in population databases (rs200483933, gnomAD 0.05%). This variant has not been reported in the literature in individuals affected with MYH7B-related conditions. ClinVar contains an entry for this variant (Variation ID: 1412253). Advanced modeling of protein sequence and biophysical properties (such as structural, functional, and spatial information, amino acid conservation, physicochemical variation, residue mobility, and thermodynamic stability) performed at Invitae indicates that this missense variant is not expected to disrupt MYH7B protein function with a negative predictive value of 80%. In summary, the available evidence is currently insufficient to determine the role of this variant in disease. Therefore, it has been classified as a Variant of Uncertain Significance.

NM_020884.7(MYH7B):c.4796G>A (p.Arg1599Gln)

Gene: MYH7B (myosin heavy chain 7B; plus strand). Cytogenetic location: 20q11.22.
Variant type: single nucleotide variant.
Coding change: c.4796G>A on transcript NM_020884.7 (MANE Select); coding-DNA position 4796, G replaced by A.
Protein change: p.Arg1599Gln; replaces arginine 1599 with glutamine.
Molecular consequence: missense variant.
Genome position (GRCh38, 1-based): chr20:35,000,307, G>A. VCF-style: chr20-35000307-G-A. GRCh37 (hg19) VCF-style: chr20-33588110-G-A.
Other names: c.4922G>A (NM_020884.3); short protein forms R1599Q.
Identifiers: ClinVar variation 1412253 (VCV001412253.7), dbSNP rs200483933, ClinGen allele CA9828344.